The following is an entry in ClinVar:

ClinVar aggregate classification (germline): Uncertain significance (1 of 4 stars; one submission).

Conditions:
Autosomal recessive ataxia, Beauce type. Also called: Spinocerebellar ataxia, autosomal recessive 8; ATAXIA, RECESSIVE, OF BEAUCE; SYNE1-Related Autosomal Recessive Cerebellar Ataxia; SYNE1 Deficiency. Identifiers: Orphanet 88644, MedGen C1853116, MONDO:0012549, OMIM 610743.
Emery-Dreifuss muscular dystrophy 4, autosomal dominant (EDMD4). Also called: EMERY-DREIFUSS MUSCULAR DYSTROPHY 4 WITH VARIABLE FEATURES. Identifiers: Orphanet 261, MedGen C2751807, MONDO:0013071, OMIM 612998.

Allele frequency attached by ClinVar (database versions not stated): gnomAD exomes below 0.00001.
gnomAD v4.1: 2 of 1,614,166 alleles (0.00012%); highest among the groups gnomAD compares: Admixed American, 0.0017%; no homozygotes.

Submission:

Labcorp Genetics (formerly Invitae), Labcorp
Classification: Uncertain significance for Emery-Dreifuss muscular dystrophy 4, autosomal dominant; Autosomal recessive ataxia, Beauce type. Last evaluated: 2022-07-12. Review status: criteria provided, single submitter. Criteria: Invitae Variant Classification Sherloc (09022015). Collection method: clinical testing. Allele origin: germline.
Comment: This sequence change replaces alanine, which is neutral and non-polar, with threonine, which is neutral and polar, at codon 7901 of the SYNE1 protein (p.Ala7901Thr). This variant is not present in population databases (gnomAD no frequency). This variant has not been reported in the literature in individuals affected with SYNE1-related conditions. ClinVar contains an entry for this variant (Variation ID: 971605). Algorithms developed to predict the effect of missense changes on protein structure and function are either unavailable or do not agree on the potential impact of this missense change (SIFT: "Deleterious"; PolyPhen-2: "Probably Damaging"; Align-GVGD: "Class C0"). In summary, the available evidence is currently insufficient to determine the role of this variant in disease. Therefore, it has been classified as a Variant of Uncertain Significance.

NM_182961.4(SYNE1):c.23914G>A (p.Ala7972Thr)

Gene: SYNE1 (spectrin repeat containing nuclear envelope protein 1; minus strand). Cytogenetic location: 6q25.2.
Variant type: single nucleotide variant.
Coding change: c.23914G>A on transcript NM_182961.4 (MANE Select); coding-DNA position 23914, G replaced by A.
Protein change: p.Ala7972Thr; replaces alanine 7972 with threonine.
Molecular consequence: missense variant.
Genome position (GRCh38, 1-based): chr6:152,155,974, C>T on the plus strand (G>A on the coding strand, the complement: SYNE1 is on the minus strand). VCF-style: chr6-152155974-C-T. GRCh37 (hg19) VCF-style: chr6-152477109-C-T.
Other names: c.520G>A, p.Ala174Thr (NM_001347701.2); c.379G>A, p.Ala127Thr (NM_001347702.2); c.23701G>A, p.Ala7901Thr (NM_033071.5); short protein forms A127T, A7901T, A174T, A7972T.
Identifiers: ClinVar variation 971605 (VCV000971605.7), dbSNP rs1000667542, ClinGen allele CA150179196.